The following is an entry in ClinVar:

NM_000054.7(AVPR2):c.296G>A (p.Trp99Ter)

Gene: AVPR2 (arginine vasopressin receptor 2; plus strand). Cytogenetic location: Xq28.
Variant type: single nucleotide variant.
Coding change: c.296G>A on transcript NM_000054.7 (MANE Select); coding-DNA position 296, G replaced by A.
Protein change: p.Trp99Ter; replaces tryptophan 99 with a stop codon.
Molecular consequence: nonsense.
Genome position (GRCh38, 1-based): chrX:153,905,802, G>A. VCF-style: chrX-153905802-G-A. GRCh37 (hg19) VCF-style: chrX-153171256-G-A.
Other names: c.296G>A, p.Trp99Ter (NM_001146151.3); short protein forms W99*.
Identifiers: ClinVar variation 2504686 (VCV002504686.2), dbSNP rs2521153216, ClinGen allele CA415104879.

ClinVar aggregate classification (germline): Pathogenic. Review status: criteria provided, multiple submitters, no conflicts (2 of 4 stars). 2 submissions from 2 submitters: Pathogenic (2). Last evaluated 2022-12-09.

Conditions:
AVPR2-related disorder. Also called: AVPR2-related condition.

Submissions (2):

GeneDx
Classification: Pathogenic. Last evaluated: 2022-12-09. Review status: criteria provided, single submitter. Criteria: GeneDx Variant Classification Process June 2021. Collection method: clinical testing. Allele origin: germline. Affected: yes.
Comment: Nonsense variant predicted to result in protein truncation or nonsense mediated decay in a gene for which loss of function is a known mechanism of disease; Not observed at significant frequency in large population cohorts (gnomAD); This variant is associated with the following publications: (PMID: 30073107)

Blueprint Genetics
Classification: Pathogenic for AVPR2-related disorders. Last evaluated: 2022-11-22. Review status: criteria provided, single submitter. Criteria: ACMG Guidelines, 2015. Collection method: clinical testing. Allele origin: germline. Affected: yes. Observed: 1 variant allele.